The following is an entry in ClinVar:

NM_001112726.3(CEP170B):c.4212G>A (p.Pro1404=)

Gene: CEP170B (centrosomal protein 170B; plus strand). Cytogenetic location: 14q32.33.
Variant type: single nucleotide variant.
Coding change: c.4212G>A on transcript NM_001112726.3 (MANE Select); coding-DNA position 4212, G replaced by A.
Protein change: p.Pro1404=; no amino-acid change (proline 1404 retained).
Molecular consequence: synonymous variant.
Genome position (GRCh38, 1-based): chr14:104,893,790, G>A. VCF-style: chr14-104893790-G-A. GRCh37 (hg19) VCF-style: chr14-105360127-G-A.
Other names: c.4107G>A, p.Pro1369= (NM_015005.3).
Identifiers: ClinVar variation 3038179 (VCV003038179.2), dbSNP rs61731617, ClinGen allele CA7376427.

ClinVar aggregate classification (germline): Benign (0 of 4 stars; one submission).

Conditions:
CEP170B-related disorder. Also called: CEP170B-related condition.

Allele frequency attached by ClinVar (database versions not stated): gnomAD exomes 0.04100; ExAC 0.05247; 1000 Genomes Project 0.05990; 1000 Genomes Project 30x 0.06340; gnomAD 0.06483; ESP Exome Variant Server 0.06552.
gnomAD v4.1: 69,638 of 1,611,924 alleles (4.3%); highest among the groups gnomAD compares: African/African-American, 13%; 1,889 homozygotes.

Submission:

PreventionGenetics, part of Exact Sciences
Classification: Benign for CEP170B-related condition. Last evaluated: 2019-07-16. Review status: no assertion criteria provided. Collection method: clinical testing. Allele origin: germline.
Comment: This variant is classified as benign based on ACMG/AMP sequence variant interpretation guidelines (Richards et al. 2015 PMID: 25741868, with internal and published modifications).